The following is an entry in ClinVar:

NC_000013.11:g.32363474_32363475delinsTA

Gene: BRCA2 (BRCA2 DNA repair associated; plus strand). Cytogenetic location: 13q13.1.
Variant type: Indel.
Genome position: GRCh38 VCF-style: chr13-32363474-CT-TA. GRCh37 (hg19) VCF-style: chr13-32937611-CT-TA.
Other names: 8500CT>TA Leu2758ter; c.8272_8273delinsTA, p.Leu2758Ter (LRG_293t1).
Identifiers: ClinVar variation 267062 (VCV000267062.5), dbSNP rs886040752, ClinGen allele CA10589475.

ClinVar aggregate classification (germline): Pathogenic. Review status: reviewed by expert panel (3 of 4 stars). 2 submissions from 2 submitters: Pathogenic (1). 1 of the submissions does not count toward it. Last evaluated 2016-10-18.

Conditions:
Breast-ovarian cancer, familial, susceptibility to, 2 (BROVCA2). Also called: BRCA2 Hereditary Breast and Ovarian Cancer. Identifiers: Orphanet 145, MedGen C2675520, MONDO:0012933, OMIM 612555. Disease mechanism: loss of function.

Submissions (2):

Evidence-based Network for the Interpretation of Germline Mutant Alleles (ENIGMA)
Classification: Pathogenic for Breast-ovarian cancer, familial, susceptibility to, 2. Last evaluated: 2016-10-18. Review status: reviewed by expert panel. Criteria: ENIGMA BRCA1/2 Classification Criteria (2015). Collection method: curation. Allele origin: germline.
Comment: Variant allele predicted to encode a truncated non-functional protein.

Consortium of Investigators of Modifiers of BRCA1/2 (CIMBA), c/o University of Cambridge
Classification: Pathogenic for Breast-ovarian cancer, familial, susceptibility to, 2. Last evaluated: 2015-10-02. Review status: criteria provided, single submitter. Criteria: CIMBA Mutation Classification guidelines May 2016. Collection method: clinical testing. Allele origin: germline. Not counted in ClinVar's aggregate classification.